The following is an entry in ClinVar:

ClinVar aggregate classification (germline): Uncertain significance (1 of 4 stars; one submission).

Conditions:
Nephronophthisis. Also called: Juvenile Nephronophthisis. Identifiers: Orphanet 655, MedGen C0687120, MONDO:0019005, HP:0000090.

Submission:

Labcorp Genetics (formerly Invitae), Labcorp
Classification: Uncertain significance for Nephronophthisis. Last evaluated: 2021-09-01. Review status: criteria provided, single submitter. Criteria: Invitae Variant Classification Sherloc (09022015). Collection method: clinical testing. Allele origin: germline.
Comment: This sequence change replaces proline with serine at codon 246 of the NPHP1 protein (p.Pro246Ser). The proline residue is weakly conserved and there is a moderate physicochemical difference between proline and serine. This variant is not present in population databases (ExAC no frequency). This variant has not been reported in the literature in individuals affected with NPHP1-related conditions. Algorithms developed to predict the effect of missense changes on protein structure and function output the following: SIFT: "Tolerated"; PolyPhen-2: "Benign"; Align-GVGD: "Class C0". The serine amino acid residue is found in multiple mammalian species, which suggests that this missense change does not adversely affect protein function. In summary, the available evidence is currently insufficient to determine the role of this variant in disease. Therefore, it has been classified as a Variant of Uncertain Significance.

NM_001128178.3(NPHP1):c.736C>T (p.Pro246Ser)

Gene: NPHP1 (nephrocystin 1; minus strand). Cytogenetic location: 2q13.
Variant type: single nucleotide variant.
Coding change: c.736C>T on transcript NM_001128178.3 (MANE Select); coding-DNA position 736, C replaced by T.
Protein change: p.Pro246Ser; replaces proline 246 with serine.
Molecular consequence: missense variant.
Genome position (GRCh38, 1-based): chr2:110,164,723, G>A on the plus strand (C>T on the coding strand, the complement: NPHP1 is on the minus strand). VCF-style: chr2-110164723-G-A. GRCh37 (hg19) VCF-style: chr2-110922300-G-A.
Other names: c.736C>T, p.Pro246Ser (NM_000272.5, NM_001374256.1, NM_001374257.1 and 1 more transcripts); c.550C>T, p.Pro184Ser (NM_001128179.3); short protein forms P184S, P246S.
Identifiers: ClinVar variation 1417435 (VCV001417435.5), dbSNP rs2104560350, ClinGen allele CA348092032.